The following is an entry in ClinVar:

ClinVar aggregate classification (germline): Uncertain significance. Review status: criteria provided, multiple submitters, no conflicts (2 of 4 stars). 2 submissions from 2 submitters: Uncertain significance (2). Last evaluated 2023-11-06.

Submissions (2):

Athena Diagnostics
Classification: Uncertain significance. Last evaluated: 2023-11-06. Review status: criteria provided, single submitter. Criteria: Athena Diagnostics Criteria. Collection method: clinical testing. Allele origin: unknown.
Comment: Available data are insufficient to determine the clinical significance of the variant at this time. This variant has not been reported in large, multi-ethnic general populations. Computational tools disagree on the variant's effect on normal protein function.

Mayo Clinic Laboratories, Mayo Clinic
Classification: Uncertain significance. Last evaluated: 2020-09-30. Review status: criteria provided, single submitter. Criteria: ACMG Guidelines, 2015. Collection method: clinical testing. Allele origin: germline. Observed: 1 variant allele.

NM_001267550.2(TTN):c.86296G>C (p.Val28766Leu)

Genes: TTN (titin; minus strand), TTN-AS1 (TTN antisense RNA 1; plus strand). Cytogenetic location: 2q31.2.
Variant type: single nucleotide variant.
Coding change: c.86296G>C on transcript NM_001267550.2 (MANE Select); coding-DNA position 86296, G replaced by C.
Protein change: p.Val28766Leu; replaces valine 28766 with leucine.
Molecular consequence: missense variant.
Genome position (GRCh38, 1-based): chr2:178,559,836, C>G on the plus strand (G>C on the coding strand, the complement: TTN is on the minus strand). VCF-style: chr2-178559836-C-G. GRCh37 (hg19) VCF-style: chr2-179424563-C-G.
Other names: c.81373G>C, p.Val27125Leu (NM_001256850.1); c.59101G>C, p.Val19701Leu (NM_003319.4); c.78592G>C, p.Val26198Leu (NM_133378.4); c.59476G>C, p.Val19826Leu (NM_133432.3); c.59677G>C, p.Val19893Leu (NM_133437.4); c.86296G>C (NM_001267550.1); short protein forms V19701L, V19826L, V19893L, V26198L, V27125L, V28766L.
Identifiers: ClinVar variation 1163426 (VCV001163426.6), dbSNP rs1559281436, ClinGen allele CA349544887.